The following is an entry in ClinVar:

ClinVar aggregate classification (germline): Conflicting classifications of pathogenicity. Review status: criteria provided, conflicting classifications (1 of 4 stars). 4 submissions from 4 submitters: Likely pathogenic (1); Uncertain significance (3). Last evaluated 2025-07-31.

Conditions:
STXBP2-related disorder. Also called: STXBP2-related condition.
Familial hemophagocytic lymphohistiocytosis 5. Also called: STXBP2-Related Familial Hemophagocytic Lymphohistiocytosis (STXBP2-fHLH). Identifiers: Orphanet 540, MedGen C2751293, MONDO:0013135, OMIM 613101.

Allele frequency attached by ClinVar (database versions not stated): gnomAD 0.00001.
gnomAD v4.1: 12 of 1,614,014 alleles (0.00074%); highest among the groups gnomAD compares: South Asian, 0.0033%; no homozygotes.

Submissions (4):

Labcorp Genetics (formerly Invitae), Labcorp
Classification: Uncertain significance for Familial hemophagocytic lymphohistiocytosis 5. Last evaluated: 2025-07-31. Review status: criteria provided, single submitter. Criteria: Invitae Variant Classification Sherloc (09022015). Collection method: clinical testing. Allele origin: germline.
Comment: This sequence change replaces proline, which is neutral and non-polar, with leucine, which is neutral and non-polar, at codon 573 of the STXBP2 protein (p.Pro573Leu). This variant is present in population databases (rs768637937, gnomAD 0.003%). This missense change has been observed in individual(s) with hemophagocytic lymphohistiocytosis (PMID: 24194549). ClinVar contains an entry for this variant (Variation ID: 843150). Invitae Evidence Modeling of protein sequence and biophysical properties (such as structural, functional, and spatial information, amino acid conservation, physicochemical variation, residue mobility, and thermodynamic stability) indicates that this missense variant is expected to disrupt STXBP2 protein function with a positive predictive value of 95%. In summary, the available evidence is currently insufficient to determine the role of this variant in disease. Therefore, it has been classified as a Variant of Uncertain Significance.

Women's Health and Genetics/Laboratory Corporation of America, LabCorp
Classification: Uncertain significance. Last evaluated: 2024-06-04. Review status: criteria provided, single submitter. Criteria: LabCorp Variant Classification Summary - May 2015. Collection method: clinical testing. Allele origin: germline.
Comment: Variant summary: STXBP2 c.1718C>T (p.Pro573Leu) results in a non-conservative amino acid change in the encoded protein sequence. Four of five in-silico tools predict a damaging effect of the variant on protein function. The variant allele was found at a frequency of 1.2e-05 in 251268 control chromosomes. The available data on variant occurrences in the general population are insufficient to allow any conclusion about variant significance. c.1718C>T has been reported in the literature in an individual affected with Familial Hemophagocytic Lymphohistiocytosis (example: Shabrish_2021). This report does not provide unequivocal conclusions about association of the variant with Familial Hemophagocytic Lymphohistiocytosis. To our knowledge, no experimental evidence demonstrating an impact on protein function has been reported. The following publication has been ascertained in the context of this evaluation (PMID: 33746956). ClinVar contains an entry for this variant (Variation ID: 843150). Based on the evidence outlined above, the variant was classified as uncertain significance.

Blueprint Genetics
Classification: Likely pathogenic for STXBP2-related disorders. Last evaluated: 2023-03-03. Review status: criteria provided, single submitter. Criteria: ACMG Guidelines, 2015. Collection method: clinical testing. Allele origin: germline. Affected: yes. Observed: 3 variant alleles.

CeGaT Center for Human Genetics Tuebingen
Classification: Uncertain significance. Last evaluated: 2022-05-01. Review status: criteria provided, single submitter. Criteria: CeGaT Center For Human Genetics Tuebingen Variant Classification Criteria Version 2. Collection method: clinical testing. Allele origin: germline. Affected: yes. Observed: 2 variant alleles.
Comment: STXBP2: PM2, PM3:Supporting

Literature cited by the submitters: PubMed 24194549 (cited by Labcorp Genetics (formerly Invitae), Labcorp); PubMed 33746956 (cited by Women's Health and Genetics/Laboratory Corporation of America, LabCorp).

NM_006949.4(STXBP2):c.1718C>T (p.Pro573Leu)

Gene: STXBP2 (syntaxin binding protein 2; plus strand). Cytogenetic location: 19p13.2.
Variant type: single nucleotide variant.
Coding change: c.1718C>T on transcript NM_006949.4 (MANE Select); coding-DNA position 1718, C replaced by T.
Protein change: p.Pro573Leu; replaces proline 573 with leucine.
Molecular consequence: missense variant. On other transcripts: non-coding transcript variant (1).
Genome position (GRCh38, 1-based): chr19:7,647,746, C>T. VCF-style: chr19-7647746-C-T. GRCh37 (hg19) VCF-style: chr19-7712632-C-T.
Other names: c.1709C>T, p.Pro570Leu (NM_001127396.3); c.1751C>T, p.Pro584Leu (NM_001272034.2); short protein forms P573L, P570L, P584L.
Identifiers: ClinVar variation 843150 (VCV000843150.41), dbSNP rs768637937, ClinGen allele CA9144321.